The following is an entry in ClinVar:

ClinVar aggregate classification (germline): Uncertain significance (1 of 4 stars; one submission).

Allele frequency attached by ClinVar (database versions not stated): gnomAD exomes below 0.00001.
gnomAD v4.1: 5 of 1,614,152 alleles (0.00031%); highest among the groups gnomAD compares: South Asian, 0.0011%; no homozygotes.

Submission:

Labcorp Genetics (formerly Invitae), Labcorp
Classification: Uncertain significance. Last evaluated: 2024-01-25. Review status: criteria provided, single submitter. Criteria: Invitae Variant Classification Sherloc (09022015). Collection method: clinical testing. Allele origin: germline.
Comment: This sequence change replaces proline, which is neutral and non-polar, with serine, which is neutral and polar, at codon 1841 of the DNAH9 protein (p.Pro1841Ser). This variant is not present in population databases (gnomAD no frequency). This variant has not been reported in the literature in individuals affected with DNAH9-related conditions. Advanced modeling of protein sequence and biophysical properties (such as structural, functional, and spatial information, amino acid conservation, physicochemical variation, residue mobility, and thermodynamic stability) has been performed at Invitae for this missense variant, however the output from this modeling did not meet the statistical confidence thresholds required to predict the impact of this variant on DNAH9 protein function. In summary, the available evidence is currently insufficient to determine the role of this variant in disease. Therefore, it has been classified as a Variant of Uncertain Significance.

NM_001372.4(DNAH9):c.5521C>T (p.Pro1841Ser)

Gene: DNAH9 (dynein axonemal heavy chain 9; plus strand). Cytogenetic location: 17p12.
Variant type: single nucleotide variant.
Coding change: c.5521C>T on transcript NM_001372.4 (MANE Select); coding-DNA position 5521, C replaced by T.
Protein change: p.Pro1841Ser; replaces proline 1841 with serine.
Molecular consequence: missense variant.
Genome position (GRCh38, 1-based): chr17:11,705,154, C>T. VCF-style: chr17-11705154-C-T. GRCh37 (hg19) VCF-style: chr17-11608471-C-T.
Other names: short protein forms P1841S.
Identifiers: ClinVar variation 2793101 (VCV002793101.1), dbSNP rs2544457403, ClinGen allele CA398185541.